The following is an entry in ClinVar:

NM_001875.5(CPS1):c.4162-3C>T

Gene: CPS1 (carbamoyl-phosphate synthase 1; plus strand). Cytogenetic location: 2q34.
Variant type: single nucleotide variant.
Coding change: c.4162-3C>T on transcript NM_001875.5 (MANE Select); 3 bases into the intron before coding-DNA position 4162, C replaced by T.
Molecular consequence: intron variant.
Genome position (GRCh38, 1-based): chr2:210,675,725, C>T. VCF-style: chr2-210675725-C-T. GRCh37 (hg19) VCF-style: chr2-211540449-C-T.
Other names: c.4162-3C>T (NM_001369257.1, NM_001122633.3); c.4195-3C>T (NM_001369256.1).
Identifiers: ClinVar variation 2066847 (VCV002066847.1), dbSNP rs1419184316, ClinGen allele CA539127185.

ClinVar aggregate classification (germline): Uncertain significance (1 of 4 stars; one submission).

Conditions:
Congenital hyperammonemia, type I. Also called: CPS I DEFICIENCY; Carbamoyl phosphate synthetase 1 deficiency; Hyperammonemia due to carbamoyl phosphate synthetase 1 deficiency; CPS 1 deficiency; Carbamyl phosphate synthetase (CPS) deficiency; Carbamoyl-phosphate synthase I deficiency. Identifiers: Orphanet 147, MedGen C4082171, MONDO:0009376, OMIM 237300.

Allele frequency attached by ClinVar (database versions not stated): gnomAD exomes below 0.00001; TOPMed below 0.00001.
gnomAD v4.1: 1 of 1,454,866 alleles (0.000069%); highest among the groups gnomAD compares: Admixed American, 0.0017%; no homozygotes.

Submission:

Labcorp Genetics (formerly Invitae), Labcorp
Classification: Uncertain significance for Congenital hyperammonemia, type I. Last evaluated: 2022-07-26. Review status: criteria provided, single submitter. Criteria: Invitae Variant Classification Sherloc (09022015). Collection method: clinical testing. Allele origin: germline.
Comment: This sequence change falls in intron 35 of the CPS1 gene. It does not directly change the encoded amino acid sequence of the CPS1 protein. It affects a nucleotide within the consensus splice site. This variant is present in population databases (no rsID available, gnomAD 0.003%). This variant has not been reported in the literature in individuals affected with CPS1-related conditions. Variants that disrupt the consensus splice site are a relatively common cause of aberrant splicing (PMID: 17576681, 9536098). Algorithms developed to predict the effect of sequence changes on RNA splicing suggest that this variant is not likely to affect RNA splicing. In summary, the available evidence is currently insufficient to determine the role of this variant in disease. Therefore, it has been classified as a Variant of Uncertain Significance.

Literature cited by the submitters: PubMed 17576681; PubMed 9536098.